The following is an entry in ClinVar:

ClinVar aggregate classification (germline): Likely benign. Review status: criteria provided, multiple submitters, no conflicts (2 of 4 stars). 4 submissions from 4 submitters: Likely benign (4). Last evaluated 2025-12-24.

Conditions:
Anophthalmia-microphthalmia syndrome. Also called: Anophthalmia/Microphthalmia; Anophthalmia - microphthalmia. Identifiers: Orphanet 98555, MedGen C5680330, MONDO:0020147.

Allele frequency attached by ClinVar (database versions not stated): gnomAD exomes 0.00005 and 0.00008; TOPMed 0.00006; gnomAD 0.00010 and 0.00011; ExAC 0.00011; ESP Exome Variant Server 0.00015.
gnomAD v4.1: 93 of 1,614,074 alleles (0.0058%); highest among the groups gnomAD compares: Non-Finnish European, 0.0075%; 1 homozygote.

Submissions (4):

Labcorp Genetics (formerly Invitae), Labcorp
Classification: Likely benign for Anophthalmia-microphthalmia syndrome. Last evaluated: 2025-12-24. Review status: criteria provided, single submitter. Criteria: Invitae Variant Classification Sherloc (09022015). Collection method: clinical testing. Allele origin: germline.

CeGaT Center for Human Genetics Tuebingen
Classification: Likely benign. Last evaluated: 2025-12-01. Review status: criteria provided, single submitter. Criteria: CeGaT Center For Human Genetics Tuebingen Variant Classification Criteria Version 2. Collection method: clinical testing. Allele origin: germline. Affected: yes. Observed: 1 variant allele.
Comment: OTX2: BS2

Laboratory of Genetics, Children's Clinical University Hospital Latvia
Classification: Likely benign. Last evaluated: 2025-02-16. Review status: criteria provided, single submitter. Criteria: ACMG Guidelines, 2015. Collection method: clinical testing. Allele origin: germline. Affected: yes.

Blueprint Genetics
Classification: Likely benign. Last evaluated: 2024-11-12. Review status: criteria provided, single submitter. Criteria: ACMG Guidelines, 2015. Collection method: clinical testing. Allele origin: germline.

NM_021728.4(OTX2):c.757G>A (p.Ala253Thr)

Gene: OTX2 (orthodenticle homeobox 2; minus strand). Cytogenetic location: 14q22.3.
Variant type: single nucleotide variant.
Coding change: c.757G>A on transcript NM_021728.4 (MANE Select); coding-DNA position 757, G replaced by A.
Protein change: p.Ala253Thr; replaces alanine 253 with threonine.
Molecular consequence: missense variant. On other transcripts: non-coding transcript variant (2).
Genome position (GRCh38, 1-based): chr14:56,801,872, C>T on the plus strand (G>A on the coding strand, the complement: OTX2 is on the minus strand). VCF-style: chr14-56801872-C-T. GRCh37 (hg19) VCF-style: chr14-57268590-C-T.
Other names: c.733G>A, p.Ala245Thr (NM_001270523.2, NM_001270524.2, NM_172337.3); c.757G>A, p.Ala253Thr (NM_001270525.2); short protein forms A245T, A253T.
Identifiers: ClinVar variation 1111476 (VCV001111476.16), dbSNP rs139800030, ClinGen allele CA7200426.